The following is an entry in ClinVar:

ClinVar aggregate classification (germline): Uncertain significance. Review status: criteria provided, multiple submitters, no conflicts (2 of 4 stars). 3 submissions from 3 submitters: Uncertain significance (3). Last evaluated 2023-05-31.

Conditions:
Catecholaminergic polymorphic ventricular tachycardia (CVPT). Also called: Catecholamine-induced polymorphic ventricular tachycardia. Identifiers: Orphanet 3286, MedGen C5574922, MONDO:0017990.
Catecholaminergic polymorphic ventricular tachycardia 1. Also called: VENTRICULAR TACHYCARDIA, CATECHOLAMINERGIC POLYMORPHIC, 1, WITH OR WITHOUT ATRIAL DYSFUNCTION AND/OR DILATED CARDIOMYOPATHY; RYR2-Related Catecholaminergic Polymorphic Ventricular Tachycardia; VENTRICULAR TACHYCARDIA, STRESS-INDUCED POLYMORPHIC 1. Identifiers: Orphanet 3286, MedGen C1631597, MONDO:0011484, OMIM 604772.
Cardiomyopathy (CMYO). Also called: Cardiomyopathies. Identifiers: Orphanet 167848, MedGen C0878544, MONDO:0004994, HP:0001638. Inheritance: Various modes of inheritance.

Allele frequency attached by ClinVar (database versions not stated): TOPMed below 0.00001; gnomAD 0.00001.
gnomAD v4.1: 1 of 1,613,634 alleles (0.000062%); highest among the groups gnomAD compares: Non-Finnish European, 0.000085%; no homozygotes.

Submissions (3):

All of Us Research Program, National Institutes of Health
Classification: Uncertain significance for Catecholaminergic polymorphic ventricular tachycardia. Last evaluated: 2023-05-31. Review status: criteria provided, single submitter. Criteria: ACMG Guidelines, 2015. Collection method: clinical testing. Allele origin: germline. Inheritance: Autosomal dominant inheritance. Observed: 1 variant allele, 1 heterozygote.
Comment: Variant of Uncertain Significance due to insufficient evidence: This variant is located in the cytoplasmic SPRY domain 1 of the RYR2 protein. Computational prediction tools and conservation analyses are inconclusive regarding the impact of this variant on the protein function. Computational splicing tools suggest that this variant may not impact RNA splicing. To our knowledge, functional assays have not been performed for this variant nor has this variant been reported in individuals affected with cardiovascular disorders in the literature. This variant is rare in the general population and has been identified in 0/277264 chromosomes by the Genome Aggregation Database (gnomAD). Available evidence is insufficient to determine the role of this variant in disease conclusively.

This study involves interpretation of variants in research participants for the purpose of population health screening. Participant phenotype was not available at the time of variant classification. Additional details can be found in publication PMID: 35346344, PMCID: PMC8962531

Labcorp Genetics (formerly Invitae), Labcorp
Classification: Uncertain significance for Catecholaminergic polymorphic ventricular tachycardia 1. Last evaluated: 2020-10-08. Review status: criteria provided, single submitter. Criteria: Invitae Variant Classification Sherloc (09022015). Collection method: clinical testing. Allele origin: germline.
Comment: In summary, the available evidence is currently insufficient to determine the role of this variant in disease. Therefore, it has been classified as a Variant of Uncertain Significance. This sequence change replaces methionine with leucine at codon 655 of the RYR2 protein (p.Met655Leu). The methionine residue is highly conserved and there is a small physicochemical difference between methionine and leucine. This variant is not present in population databases (ExAC no frequency). This variant has not been reported in the literature in individuals with RYR2-related conditions. ClinVar contains an entry for this variant (Variation ID: 925030). Algorithms developed to predict the effect of missense changes on protein structure and function are either unavailable or do not agree on the potential impact of this missense change (SIFT: "Deleterious"; PolyPhen-2: "Benign"; Align-GVGD: "Class C0").

Color Diagnostics, LLC DBA Color Health
Classification: Uncertain significance for Cardiomyopathy. Last evaluated: 2019-01-09. Review status: criteria provided, single submitter. Criteria: ACMG Guidelines, 2015. Collection method: clinical testing. Allele origin: germline.
Comment: Variant of Uncertain Significance due to insufficient evidence: This variant is located in the cytoplasmic SPRY domain 1 of the RYR2 protein. Computational prediction tools and conservation analyses are inconclusive regarding the impact of this variant on the protein function. Computational splicing tools suggest that this variant may not impact RNA splicing. To our knowledge, functional assays have not been performed for this variant nor has this variant been reported in individuals affected with cardiovascular disorders in the literature. This variant is rare in the general population and has been identified in 0/277264 chromosomes by the Genome Aggregation Database (gnomAD). Available evidence is insufficient to determine the role of this variant in disease conclusively.

NM_001035.3(RYR2):c.1963A>T (p.Met655Leu)

Gene: RYR2 (ryanodine receptor 2; plus strand). Cytogenetic location: 1q43.
Variant type: single nucleotide variant.
Coding change: c.1963A>T on transcript NM_001035.3 (MANE Select); coding-DNA position 1963, A replaced by T.
Protein change: p.Met655Leu; replaces methionine 655 with leucine.
Molecular consequence: missense variant.
Genome position (GRCh38, 1-based): chr1:237,496,512, A>T. VCF-style: chr1-237496512-A-T. GRCh37 (hg19) VCF-style: chr1-237659812-A-T.
Other names: short protein forms M655L.
Identifiers: ClinVar variation 925030 (VCV000925030.14), dbSNP rs1664091653, ClinGen allele CA16621971.
Genomic context (GRCh38, chr1:237,496,512, plus strand): 5'-TGAAAACAATGAAAGGTTTTTTTGGACTTTCCTTACATGTGATTCCCGTCTCTTTAAAGC[A>T]TGAGACCCAATATTTTTCTGGGCGTCAGTGAAGGTTCTGCTCAGTATAAGAAATGGTACT-3'
Protein context (NP_001026.2, residues 645-665): QTRLVNHVSS[Met655Leu]RPNIFLGVSE